The following is an entry in ClinVar:

NM_002458.3(MUC5B):c.13704G>A (p.Thr4568=)

Gene: MUC5B (mucin 5B, oligomeric mucus/gel-forming; plus strand). Cytogenetic location: 11p15.5.
Variant type: single nucleotide variant.
Coding change: c.13704G>A on transcript NM_002458.3 (MANE Select); coding-DNA position 13704, G replaced by A.
Protein change: p.Thr4568=; no amino-acid change (threonine 4568 retained).
Molecular consequence: synonymous variant.
Genome position (GRCh38, 1-based): chr11:1,250,584, G>A. VCF-style: chr11-1250584-G-A. GRCh37 (hg19) VCF-style: chr11-1271814-G-A.
Identifiers: ClinVar variation 2641300 (VCV002641300.24), dbSNP rs200945161, ClinGen allele CA5808396.

ClinVar aggregate classification (germline): Likely benign (1 of 4 stars; one submission).

Allele frequency attached by ClinVar (database versions not stated): ESP Exome Variant Server 0.00128; gnomAD 0.00255; ExAC 0.02536.

Submission:

CeGaT Center for Human Genetics Tuebingen
Classification: Likely benign. Last evaluated: 2026-01-01. Review status: criteria provided, single submitter. Criteria: CeGaT Center For Human Genetics Tuebingen Variant Classification Criteria Version 2. Collection method: clinical testing. Allele origin: germline. Affected: yes. Observed: 6 variant alleles.
Comment: MUC5B: BP4, BP7